The following is an entry in ClinVar:

NM_000179.3(MSH6):c.1348G>A (p.Val450Ile)

Gene: MSH6 (mutS homolog 6; plus strand). Cytogenetic location: 2p16.3.
Variant type: single nucleotide variant.
Coding change: c.1348G>A on transcript NM_000179.3 (MANE Select); coding-DNA position 1348, G replaced by A.
Protein change: p.Val450Ile; replaces valine 450 with isoleucine.
Molecular consequence: missense variant.
Genome position (GRCh38, 1-based): chr2:47,799,331, G>A. VCF-style: chr2-47799331-G-A. GRCh37 (hg19) VCF-style: chr2-48026470-G-A.
Other names: c.1180G>A, p.Val394Ile (NM_001406826.1); c.1051G>A, p.Val351Ile (NM_001406827.1, NM_001406828.1, NM_001406830.1 and 10 more transcripts); c.442G>A, p.Val148Ile (NM_001406829.1, NM_001281493.2, NM_001281494.2 and 6 more transcripts); c.958G>A, p.Val320Ile (NM_001281492.2); c.1444G>A, p.Val482Ile (NM_001406795.1, NM_001406802.1); c.1348G>A, p.Val450Ile (NM_001406796.1, NM_001406798.1, NM_001406800.1 and 4 more transcripts); c.823G>A, p.Val275Ile (NM_001406799.1, NM_001406806.1, NM_001406807.1); c.1270G>A, p.Val424Ile (NM_001406804.1); and 1 more; short protein forms V351I, V424I, V275I, V394I, V482I, V148I, V320I, V450I.
Identifiers: ClinVar variation 1770528 (VCV001770528.7), dbSNP rs878993430, ClinGen allele CA46707941.

ClinVar aggregate classification (germline): Uncertain significance. Review status: criteria provided, multiple submitters, no conflicts (2 of 4 stars). 2 submissions from 2 submitters: Uncertain significance (2). Last evaluated 2022-04-06.

Conditions:
Hereditary cancer-predisposing syndrome. Also called: Hereditary Cancer Syndrome; Hereditary neoplastic syndrome; Neoplastic Syndromes, Hereditary; Tumor predisposition. Identifiers: Orphanet 140162, MedGen C0027672, MeSH D009386, MONDO:0015356.
Hereditary nonpolyposis colorectal neoplasms. Identifiers: MedGen C0009405, MeSH D003123.

Submissions (2):

Labcorp Genetics (formerly Invitae), Labcorp
Classification: Uncertain significance for Hereditary nonpolyposis colorectal neoplasms. Last evaluated: 2022-04-06. Review status: criteria provided, single submitter. Criteria: Invitae Variant Classification Sherloc (09022015). Collection method: clinical testing. Allele origin: germline.
Comment: Advanced modeling of protein sequence and biophysical properties (such as structural, functional, and spatial information, amino acid conservation, physicochemical variation, residue mobility, and thermodynamic stability) performed at Invitae indicates that this missense variant is not expected to disrupt MSH6 protein function. In summary, the available evidence is currently insufficient to determine the role of this variant in disease. Therefore, it has been classified as a Variant of Uncertain Significance. This variant has not been reported in the literature in individuals affected with MSH6-related conditions. This variant is not present in population databases (gnomAD no frequency). This sequence change replaces valine, which is neutral and non-polar, with isoleucine, which is neutral and non-polar, at codon 450 of the MSH6 protein (p.Val450Ile).

Ambry Genetics
Classification: Uncertain significance for Hereditary cancer-predisposing syndrome. Last evaluated: 2020-09-22. Review status: criteria provided, single submitter. Criteria: Ambry Variant Classification Scheme 2023. Collection method: clinical testing. Allele origin: germline.
Comment: The p.V450I variant (also known as c.1348G>A), located in coding exon 4 of the MSH6 gene, results from a G to A substitution at nucleotide position 1348. The valine at codon 450 is replaced by isoleucine, an amino acid with highly similar properties. This amino acid position is not well conserved in available vertebrate species. In addition, this alteration is predicted to be tolerated by in silico analysis. Since supporting evidence is limited at this time, the clinical significance of this alteration remains unclear.